The following is an entry in ClinVar:

ClinVar aggregate classification (germline): Pathogenic (1 of 4 stars; one submission).

Conditions:
Autosomal recessive limb-girdle muscular dystrophy type 2O. Also called: Limb-Girdle Muscular Dystrophy Type 3C; MUSCULAR DYSTROPHY-DYSTROGLYCANOPATHY (LIMB-GIRDLE), TYPE C, 3; MUSCULAR DYSTROPHY-DYSTROGLYCANOPATHY, LIMB-GIRDLE, POMGNT1-RELATED. Identifiers: Orphanet 206564, MedGen C3150417, MONDO:0013161, OMIM 613157.
Muscular dystrophy-dystroglycanopathy (congenital with impaired intellectual development), type B, 3. Also called: MUSCULAR DYSTROPHY, CONGENITAL, POMGNT1-RELATED; Muscular dystrophy-dystroglycanopathy (congenital with intellectual disability), type B3. Identifiers: MedGen C3150412, MONDO:0013155, OMIM 613151.

Submission:

Labcorp Genetics (formerly Invitae), Labcorp
Classification: Pathogenic for Autosomal recessive limb-girdle muscular dystrophy type 2O; Muscular dystrophy-dystroglycanopathy (congenital with impaired intellectual development), type B, 3. Last evaluated: 2022-02-08. Review status: criteria provided, single submitter. Criteria: Invitae Variant Classification Sherloc (09022015). Collection method: clinical testing. Allele origin: germline.
Comment: For these reasons, this variant has been classified as Pathogenic. This variant has not been reported in the literature in individuals affected with POMGNT1-related conditions. This variant is present in population databases (no rsID available, gnomAD no frequency). This sequence change creates a premature translational stop signal (p.Leu614*) in the POMGNT1 gene. It is expected to result in an absent or disrupted protein product. Loss-of-function variants in POMGNT1 are known to be pathogenic (PMID: 19299310, 20816175, 21447391, 26908613, 27391550).

Literature cited by the submitters: PubMed 19299310; PubMed 20816175; PubMed 21447391; PubMed 26908613; PubMed 27391550.

NM_017739.4(POMGNT1):c.1841T>A (p.Leu614Ter)

Genes: POMGNT1 (protein O-linked mannose N-acetylglucosaminyltransferase 1 (beta 1,2-); minus strand), TSPAN1 (tetraspanin 1; plus strand). Cytogenetic location: 1p34.1.
Variant type: single nucleotide variant.
Coding change: c.1841T>A on transcript NM_017739.4 (MANE Select); coding-DNA position 1841, T replaced by A.
Protein change: p.Leu614Ter; replaces leucine 614 with a stop codon.
Molecular consequence: nonsense.
Genome position (GRCh38, 1-based): chr1:46,189,512, A>T on the plus strand (T>A on the coding strand, the complement: POMGNT1 is on the minus strand). VCF-style: chr1-46189512-A-T. GRCh37 (hg19) VCF-style: chr1-46655184-A-T.
Other names: c.1841T>A, p.Leu614Ter (NM_001243766.2, NM_001410783.1); c.1775T>A, p.Leu592Ter (NM_001290129.3); c.1412T>A, p.Leu471Ter (NM_001290130.2); short protein forms L471*, L592*, L614*.
Identifiers: ClinVar variation 1366354 (VCV001366354.6), dbSNP rs1364587778, ClinGen allele CA340170913.